The following is an entry in ClinVar:

NM_004044.7(ATIC):c.418G>A (p.Ala140Thr)

Gene: ATIC (5-aminoimidazole-4-carboxamide ribonucleotide formyltransferase/IMP cyclohydrolase; plus strand). Cytogenetic location: 2q35.
Variant type: single nucleotide variant.
Coding change: c.418G>A on transcript NM_004044.7 (MANE Select); coding-DNA position 418, G replaced by A.
Protein change: p.Ala140Thr; replaces alanine 140 with threonine.
Molecular consequence: missense variant.
Genome position (GRCh38, 1-based): chr2:215,326,025, G>A. VCF-style: chr2-215326025-G-A. GRCh37 (hg19) VCF-style: chr2-216190748-G-A.
Other names: c.418G>A (NM_004044.6); short protein forms A140T.
Identifiers: ClinVar variation 3375298 (VCV003375298.2).
Genomic context (GRCh38, chr2:215,326,025, plus strand): 5'-ATAAGTCTTTTGTTCTTCAAAGGTGGAGTAACCTTACTGAGAGCTGCAGCCAAAAACCAC[G>A]CTCGAGTGACAGTGGTGTGTGAACCAGAGGACTATGTGGTGGTGTCCACGGAGATGCAGA-3'
Protein context (NP_004035.2, residues 130-150): TLLRAAAKNH[Ala140Thr]RVTVVCEPED

ClinVar aggregate classification (germline): Uncertain significance. Review status: criteria provided, multiple submitters, no conflicts (2 of 4 stars). 2 submissions from 2 submitters: Uncertain significance (2). Last evaluated 2024-09-30.

Submissions (2):

Ambry Genetics
Classification: Uncertain significance. Last evaluated: 2024-09-30. Review status: criteria provided, single submitter. Criteria: Ambry Variant Classification Scheme 2023. Collection method: clinical testing. Allele origin: germline.

Women's Health and Genetics/Laboratory Corporation of America, LabCorp
Classification: Uncertain significance. Last evaluated: 2024-09-23. Review status: criteria provided, single submitter. Criteria: LabCorp Variant Classification Summary - May 2015. Collection method: clinical testing. Allele origin: germline.
Comment: Variant summary: ATIC c.418G>A (p.Ala140Thr) results in a non-conservative amino acid change located in the methylglyoxal synthase-like domain (IPR011607) of the encoded protein sequence. Three of five in-silico tools predict a benign effect of the variant on protein function. The variant allele was found at a frequency of 2.4e-05 in 251020 control chromosomes (gnomAD). The available data on variant occurrences in the general population are insufficient to allow any conclusion about variant significance. To our knowledge, no occurrence of c.418G>A in individuals affected with AICA-Ribosiduria and no experimental evidence demonstrating its impact on protein function have been reported. No submitters have cited clinical-significance assessments for this variant to ClinVar. Based on the evidence outlined above, the variant was classified as uncertain significance.